The following is an entry in ClinVar:

NM_000548.5(TSC2):c.3504G>T (p.Lys1168Asn)

Gene: TSC2 (TSC complex subunit 2; plus strand). Cytogenetic location: 16p13.3.
Variant type: single nucleotide variant.
Coding change: c.3504G>T on transcript NM_000548.5 (MANE Select); coding-DNA position 3504, G replaced by T.
Protein change: p.Lys1168Asn; replaces lysine 1168 with asparagine.
Molecular consequence: missense variant. On other transcripts: non-coding transcript variant (5).
Genome position (GRCh38, 1-based): chr16:2,080,271, G>T. VCF-style: chr16-2080271-G-T. GRCh37 (hg19) VCF-style: chr16-2130272-G-T.
Other names: c.3372G>T, p.Lys1124Asn (NM_001077183.3, NM_001370404.1, NM_001406665.1); c.3504G>T, p.Lys1168Asn (NM_001114382.3); c.3264G>T, p.Lys1088Asn (NM_001318827.2); c.3228G>T, p.Lys1076Asn (NM_001318829.2); c.2772G>T, p.Lys924Asn (NM_001318831.2, NM_001406687.1, NM_001406688.1); c.3405G>T, p.Lys1135Asn (NM_001318832.2); c.3375G>T, p.Lys1125Asn (NM_001363528.2, NM_001370405.1, NM_021055.3); c.3501G>T, p.Lys1167Asn (NM_001406663.1, NM_001406664.1); and 18 more; short protein forms K1076N, K1105N, K1120N, K1121N, K720N, K971N, K1087N, K1088N.
Identifiers: ClinVar variation 4746720 (VCV004746720.1).

ClinVar aggregate classification (germline): Uncertain significance (1 of 4 stars; one submission).

Conditions:
Tuberous sclerosis 2 (TSC2). Identifiers: Orphanet 805, MedGen C1860707, MONDO:0013199, OMIM 613254.

gnomAD v4.1: 2 of 1,613,016 alleles (0.00012%); highest among the groups gnomAD compares: Non-Finnish European, 0.00017%; no homozygotes.

Submission:

Labcorp Genetics (formerly Invitae), Labcorp
Classification: Uncertain significance for Tuberous sclerosis 2. Last evaluated: 2025-02-17. Review status: criteria provided, single submitter. Criteria: Invitae Variant Classification Sherloc (09022015). Collection method: clinical testing. Allele origin: germline.
Comment: This sequence change replaces lysine, which is basic and polar, with asparagine, which is neutral and polar, at codon 1168 of the TSC2 protein (p.Lys1168Asn). This variant is not present in population databases (gnomAD no frequency). This variant has not been reported in the literature in individuals affected with TSC2-related conditions. Invitae Evidence Modeling of protein sequence and biophysical properties (such as structural, functional, and spatial information, amino acid conservation, physicochemical variation, residue mobility, and thermodynamic stability) indicates that this missense variant is not expected to disrupt TSC2 protein function with a negative predictive value of 95%. In summary, the available evidence is currently insufficient to determine the role of this variant in disease. Therefore, it has been classified as a Variant of Uncertain Significance.